The following is an entry in ClinVar:

NM_000718.4(CACNA1B):c.5705C>T (p.Pro1902Leu)

Gene: CACNA1B (calcium voltage-gated channel subunit alpha1 B; plus strand). Cytogenetic location: 9q34.3.
Variant type: single nucleotide variant.
Coding change: c.5705C>T on transcript NM_000718.4 (MANE Select); coding-DNA position 5705, C replaced by T.
Protein change: p.Pro1902Leu; replaces proline 1902 with leucine.
Molecular consequence: missense variant.
Genome position (GRCh38, 1-based): chr9:138,115,607, C>T. VCF-style: chr9-138115607-C-T. GRCh37 (hg19) VCF-style: chr9-141010059-C-T.
Other names: c.5705C>T, p.Pro1902Leu (NM_001243812.2); short protein forms P1902L.
Identifiers: ClinVar variation 1981212 (VCV001981212.5), dbSNP rs1290977272, ClinGen allele CA375817506.

ClinVar aggregate classification (germline): Uncertain significance. Review status: criteria provided, multiple submitters, no conflicts (2 of 4 stars). 2 submissions from 2 submitters: Uncertain significance (2). Last evaluated 2025-01-06.

Conditions:
Neurodevelopmental disorder with seizures and nonepileptic hyperkinetic movements. Identifiers: MedGen C5193128, MONDO:0032784, OMIM 618497.

Allele frequency attached by ClinVar (database versions not stated): gnomAD exomes below 0.00001; TOPMed below 0.00001; gnomAD 0.00001.
gnomAD v4.1: 5 of 1,613,662 alleles (0.00031%); highest among the groups gnomAD compares: Admixed American, 0.0033%; no homozygotes.

Submissions (2):

Labcorp Genetics (formerly Invitae), Labcorp
Classification: Uncertain significance. Last evaluated: 2025-01-06. Review status: criteria provided, single submitter. Criteria: Invitae Variant Classification Sherloc (09022015). Collection method: clinical testing. Allele origin: germline.
Comment: This sequence change replaces proline, which is neutral and non-polar, with leucine, which is neutral and non-polar, at codon 1902 of the CACNA1B protein (p.Pro1902Leu). This variant is present in population databases (no rsID available, gnomAD 0.003%). This variant has not been reported in the literature in individuals affected with CACNA1B-related conditions. ClinVar contains an entry for this variant (Variation ID: 1981212). Invitae Evidence Modeling of protein sequence and biophysical properties (such as structural, functional, and spatial information, amino acid conservation, physicochemical variation, residue mobility, and thermodynamic stability) indicates that this missense variant is not expected to disrupt CACNA1B protein function with a negative predictive value of 80%. In summary, the available evidence is currently insufficient to determine the role of this variant in disease. Therefore, it has been classified as a Variant of Uncertain Significance.

Genomic Medicine Center of Excellence, King Faisal Specialist Hospital and Research Centre
Classification: Uncertain significance for Neurodevelopmental disorder with seizures and nonepileptic hyperkinetic movements. Last evaluated: 2024-04-04. Review status: criteria provided, single submitter. Criteria: ACMG Guidelines, 2015. Collection method: clinical testing. Allele origin: germline.